The following is an entry in ClinVar:

NM_000264.5(PTCH1):c.2560+4A>T

Genes: PTCH1 (patched 1; minus strand), LOC100507346 (uncharacterized LOC100507346; plus strand). Cytogenetic location: 9q22.32.
Variant type: single nucleotide variant.
Coding change: c.2560+4A>T on transcript NM_000264.5 (MANE Select); 4 bases into the intron after coding-DNA position 2560, A replaced by T.
Molecular consequence: intron variant. On other transcripts: non-coding transcript variant (1).
Genome position (GRCh38, 1-based): chr9:95,467,112, T>A on the plus strand (A>T on the coding strand, the complement: PTCH1 is on the minus strand). VCF-style: chr9-95467112-T-A. GRCh37 (hg19) VCF-style: chr9-98229394-T-A.
Other names: c.2557+4A>T (NM_001083603.3); c.2362+4A>T (NM_001083602.3); c.2404+4A>T (NM_001354918.2); c.2107+4A>T (NM_001083605.3, NM_001083604.3, NM_001083606.3 and 1 more transcripts).
Identifiers: ClinVar variation 3725952 (VCV003725952.2).

ClinVar aggregate classification (germline): Uncertain significance (1 of 4 stars; one submission).

Conditions:
Gorlin syndrome. Also called: Nevoid Basal Cell Carcinoma Syndrome; Basal cell nevus syndrome. Identifiers: Orphanet 377, MedGen C0004779, MONDO:0007187.

Submission:

Labcorp Genetics (formerly Invitae), Labcorp
Classification: Uncertain significance for Gorlin syndrome. Last evaluated: 2024-11-24. Review status: criteria provided, single submitter. Criteria: Invitae Variant Classification Sherloc (09022015). Collection method: clinical testing. Allele origin: germline.
Comment: This sequence change falls in intron 15 of the PTCH1 gene. It does not directly change the encoded amino acid sequence of the PTCH1 protein. It affects a nucleotide within the consensus splice site. This variant is not present in population databases (gnomAD no frequency). This variant has not been reported in the literature in individuals affected with PTCH1-related conditions. Variants that disrupt the consensus splice site are a relatively common cause of aberrant splicing (PMID: 17576681, 9536098). Algorithms developed to predict the effect of sequence changes on RNA splicing suggest that this variant may disrupt the consensus splice site. In summary, the available evidence is currently insufficient to determine the role of this variant in disease. Therefore, it has been classified as a Variant of Uncertain Significance.

Literature cited by the submitters: PubMed 17576681; PubMed 9536098.